The following is an entry in ClinVar:

NM_020632.3(ATP6V0A4):c.2255C>A (p.Ala752Glu)

Gene: ATP6V0A4 (ATPase H+ transporting V0 subunit a4; minus strand). Cytogenetic location: 7q34.
Variant type: single nucleotide variant.
Coding change: c.2255C>A on transcript NM_020632.3 (MANE Select); coding-DNA position 2255, C replaced by A.
Protein change: p.Ala752Glu; replaces alanine 752 with glutamic acid.
Molecular consequence: missense variant.
Genome position (GRCh38, 1-based): chr7:138,715,766, G>T on the plus strand (C>A on the coding strand, the complement: ATP6V0A4 is on the minus strand). VCF-style: chr7-138715766-G-T. GRCh37 (hg19) VCF-style: chr7-138400511-G-T.
Other names: c.2255C>A, p.Ala752Glu (NM_130840.3, NM_130841.3); short protein forms A752E.
Identifiers: ClinVar variation 1043306 (VCV001043306.8), dbSNP rs1804004086, ClinGen allele CA369375685.

ClinVar aggregate classification (germline): Uncertain significance (1 of 4 stars; one submission).

Allele frequency attached by ClinVar (database versions not stated): gnomAD exomes below 0.00001.
gnomAD v4.1: 2 of 1,613,552 alleles (0.00012%); highest among the groups gnomAD compares: Non-Finnish European, 0.00017%; no homozygotes.

Submission:

Labcorp Genetics (formerly Invitae), Labcorp
Classification: Uncertain significance. Last evaluated: 2020-04-09. Review status: criteria provided, single submitter. Criteria: Invitae Variant Classification Sherloc (09022015). Collection method: clinical testing. Allele origin: germline.
Comment: This variant is not present in population databases (ExAC no frequency). This variant has not been reported in the literature in individuals with ATP6V0A4-related conditions. Algorithms developed to predict the effect of missense changes on protein structure and function are either unavailable or do not agree on the potential impact of this missense change (SIFT: "Deleterious"; PolyPhen-2: "Probably Damaging"; Align-GVGD: "Class C0"). This sequence change replaces alanine with glutamic acid at codon 752 of the ATP6V0A4 protein (p.Ala752Glu). The alanine residue is highly conserved and there is a moderate physicochemical difference between alanine and glutamic acid. In summary, the available evidence is currently insufficient to determine the role of this variant in disease. Therefore, it has been classified as a Variant of Uncertain Significance.